The following is an entry in ClinVar:

ClinVar aggregate classification (germline): Likely pathogenic (1 of 4 stars; one submission).

Conditions:
Hereditary factor IX deficiency disease (HEMB). Also called: F9 DEFICIENCY; FACTOR IX DEFICIENCY; PLASMA THROMBOPLASTIN COMPONENT DEFICIENCY; Hemophilia B; Christmas Disease. Identifiers: Orphanet 98879, MedGen C0008533, MeSH D002836, MONDO:0010604, OMIM 306900.

Submission:

Women's Health and Genetics/Laboratory Corporation of America, LabCorp
Classification: Likely pathogenic for Hereditary factor IX deficiency disease. Last evaluated: 2025-12-09. Review status: criteria provided, single submitter. Criteria: LabCorp Variant Classification Summary - May 2015. Collection method: clinical testing. Allele origin: germline.
Comment: Variant summary: F9 c.420A>T (p.Arg140Ser) results in a non-conservative amino acid change in the encoded protein sequence. Algorithms developed to predict the effect of missense changes on protein structure and function are either unavailable or do not agree on the potential impact of this missense change. The variant was absent in 183210 control chromosomes (gnomAD). c.420A>T has been observed in individuals affected with Factor IX Deficiency (Hemophilia B)(e.g. Bottema_1991, Miller_2014, Li_2014, Surin_2016). These data indicate that the variant is likely to be associated with disease. To our knowledge, no experimental evidence demonstrating an impact on protein function has been reported. The following publications have been ascertained in the context of this evaluation (PMID: 1680287, 22103590, 24375831, 27529981). No submitters have cited clinical-significance assessments for this variant to ClinVar. Based on the evidence outlined above, the variant was classified as likely pathogenic.

Literature cited by the submitters: PubMed 24375831; PubMed 1680287; PubMed 22103590; PubMed 27529981.

NM_000133.4(F9):c.420A>T (p.Arg140Ser)

Gene: F9 (coagulation factor IX; plus strand). Cytogenetic location: Xq27.1.
Variant type: single nucleotide variant.
Coding change: c.420A>T on transcript NM_000133.4 (MANE Select); coding-DNA position 420, A replaced by T.
Protein change: p.Arg140Ser; replaces arginine 140 with serine.
Molecular consequence: missense variant.
Genome position (GRCh38, 1-based): chrX:139,548,391, A>T. VCF-style: chrX-139548391-A-T. GRCh37 (hg19) VCF-style: chrX-138630550-A-T.
Other names: c.306A>T, p.Arg102Ser (NM_001313913.2); short protein forms R102S, R140S.
Identifiers: ClinVar variation 4688439 (VCV004688439.1).
Genomic context (GRCh38, chrX:139,548,391, plus strand): 5'-GATGCTGTTACTGTCTATTTTGCTTCTTTTAGATGTAACATGTAACATTAAGAATGGCAG[A>T]TGCGAGCAGTTTTGTAAAAATAGTGCTGATAACAAGGTGGTTTGCTCCTGTACTGAGGGA-3'
Protein context (NP_000124.1, residues 130-150): LDVTCNIKNG[Arg140Ser]CEQFCKNSAD